The following is an entry in ClinVar:

ClinVar aggregate classification (germline): Uncertain significance (1 of 4 stars; one submission).

Conditions:
Hereditary sensory and autonomic neuropathy type 6. Also called: Neuropathy, hereditary sensory and autonomic, type VI; HSAN VI. Identifiers: Orphanet 314381, MedGen C3539003, MONDO:0013839, OMIM 614653.
Epidermolysis bullosa simplex 3, localized or generalized intermediate, with BP230 deficiency (EBS3). Also called: Epidermolysis bullosa simplex due to BP230 deficiency; Epidermolysis bullosa simplex, autosomal recessive 2. Identifiers: Orphanet 412181, MedGen C3809470, MONDO:0014180, OMIM 615425.

Submission:

Labcorp Genetics (formerly Invitae), Labcorp
Classification: Uncertain significance for Epidermolysis bullosa simplex 3, localized or generalized intermediate, with BP230 deficiency; Hereditary sensory and autonomic neuropathy type 6. Last evaluated: 2020-12-20. Review status: criteria provided, single submitter. Criteria: Invitae Variant Classification Sherloc (09022015). Collection method: clinical testing. Allele origin: germline.
Comment: Experimental studies and prediction algorithms are not available or were not evaluated, and the functional significance of this variant is currently unknown. This sequence change replaces asparagine with threonine at codon 3005 of the DST protein (p.Asn3005Thr). The DST gene has multiple clinically relevant transcripts. This variant occurs in alternate transcript NM_015548.4, and corresponds to NM_001723.5:c.*80337A>C in the primary transcript. This variant is not present in population databases (ExAC no frequency). This variant has not been reported in the literature in individuals with DST-related conditions. In summary, the available evidence is currently insufficient to determine the role of this variant in disease. Therefore, it has been classified as a Variant of Uncertain Significance.

NM_001374736.1(DST):c.16883A>C (p.Asn5628Thr)

Gene: DST (dystonin; minus strand). Cytogenetic location: 6p12.1.
Variant type: single nucleotide variant.
Coding change: c.16883A>C on transcript NM_001374736.1 (MANE Select); coding-DNA position 16883, A replaced by C.
Protein change: p.Asn5628Thr; replaces asparagine 5628 with threonine.
Molecular consequence: missense variant.
Genome position (GRCh38, 1-based): chr6:56,535,180, T>G on the plus strand (A>C on the coding strand, the complement: DST is on the minus strand). VCF-style: chr6-56535180-T-G. GRCh37 (hg19) VCF-style: chr6-56399978-T-G.
Other names: c.10526A>C, p.Asn3509Thr (NM_001144769.5); c.10112A>C, p.Asn3371Thr (NM_001144770.2); c.16883A>C, p.Asn5628Thr (NM_001374722.1); c.16250A>C, p.Asn5417Thr (NM_001374729.1); c.9992A>C, p.Asn3331Thr (NM_001374730.1, NM_001386100.1, NM_183380.4); c.16910A>C, p.Asn5637Thr (NM_001374734.1); c.9014A>C, p.Asn3005Thr (NM_015548.5); short protein forms N5637T, N3005T, N3331T, N3371T, N5417T, N5628T, N3509T.
Identifiers: ClinVar variation 1357790 (VCV001357790.6), dbSNP rs2096972092, ClinGen allele CA364510755.